The following is an entry in ClinVar:

ClinVar aggregate classification (germline): Uncertain significance. Review status: criteria provided, multiple submitters, no conflicts (2 of 4 stars). 4 submissions from 4 submitters: Uncertain significance (4). Last evaluated 2026-09-09.

Conditions:
Hypertrophic cardiomyopathy 26. Also called: Cardiomyopathy, familial hypertrophic, 26. Identifiers: Orphanet 75249, MedGen C4310749, MONDO:0014883, OMIM 617047.
Distal myopathy with posterior leg and anterior hand involvement. Also called: WILLIAMS DISTAL MYOPATHY. Identifiers: Orphanet 63273, MedGen C3279722, MONDO:0013550, OMIM 614065.
Myofibrillar myopathy 5. Also called: Filaminopathy (type); FILAMINOPATHY, AUTOSOMAL DOMINANT. Identifiers: Orphanet 171445, MedGen C1836050, MONDO:0012289, OMIM 609524.
FLNC-related disorder. Also called: FLNC-related condition; FLNC-related disorders.
Cardiovascular phenotype. Identifiers: MedGen CN230736.

Allele frequency attached by ClinVar (database versions not stated): TOPMed below 0.00001; gnomAD exomes 0.00001.
gnomAD v4.1: 5 of 1,570,588 alleles (0.00032%); highest among the groups gnomAD compares: Non-Finnish European, 0.00043%; no homozygotes.

Submissions (4):

PreventionGenetics, part of Exact Sciences
Classification: Uncertain significance for FLNC-related condition. Last evaluated: 2026-09-09. Review status: criteria provided, single submitter. Criteria: ACMG Guidelines, 2015. Collection method: clinical testing. Allele origin: germline.
Comment: The FLNC c.967G>A variant is predicted to result in the amino acid substitution p.Glu323Lys. To our knowledge, this variant has not been reported in the literature or in a large population database (gnomAD), indicating this variant is rare. At this time, the clinical significance of this variant is uncertain due to the absence of conclusive functional and genetic evidence.

Women's Health and Genetics/Laboratory Corporation of America, LabCorp
Classification: Uncertain significance. Last evaluated: 2026-04-27. Review status: criteria provided, single submitter. Criteria: LabCorp Variant Classification Summary - May 2015. Collection method: clinical testing. Allele origin: germline.

Labcorp Genetics (formerly Invitae), Labcorp
Classification: Uncertain significance for Distal myopathy with posterior leg and anterior hand involvement; Myofibrillar myopathy 5; Hypertrophic cardiomyopathy 26. Last evaluated: 2026-01-07. Review status: criteria provided, single submitter. Criteria: Invitae Variant Classification Sherloc (09022015). Collection method: clinical testing. Allele origin: germline.
Comment: This sequence change replaces glutamic acid, which is acidic and polar, with lysine, which is basic and polar, at codon 323 of the FLNC protein (p.Glu323Lys). This variant is not present in population databases (gnomAD no frequency). This variant has not been reported in the literature in individuals affected with FLNC-related conditions. ClinVar contains an entry for this variant (Variation ID: 567331). An algorithm developed to predict the effect of missense changes on protein structure and function (PolyPhen-2) suggests that this variant is likely to be disruptive. In summary, the available evidence is currently insufficient to determine the role of this variant in disease. Therefore, it has been classified as a Variant of Uncertain Significance.

Ambry Genetics
Classification: Uncertain significance for Cardiovascular phenotype. Last evaluated: 2025-10-16. Review status: criteria provided, single submitter. Criteria: Ambry Variant Classification Scheme 2023. Collection method: clinical testing. Allele origin: germline.
Comment: The p.E323K variant (also known as c.967G>A), located in coding exon 5 of the FLNC gene, results from a G to A substitution at nucleotide position 967. The glutamic acid at codon 323 is replaced by lysine, an amino acid with similar properties. This amino acid position is highly conserved in available vertebrate species. In addition, the in silico prediction for this alteration is inconclusive. Based on the available evidence, the clinical significance of this variant remains unclear.

NM_001458.5(FLNC):c.967G>A (p.Glu323Lys)

Gene: FLNC (filamin C; plus strand). Cytogenetic location: 7q32.1.
Variant type: single nucleotide variant.
Coding change: c.967G>A on transcript NM_001458.5 (MANE Select); coding-DNA position 967, G replaced by A.
Protein change: p.Glu323Lys; replaces glutamic acid 323 with lysine.
Molecular consequence: missense variant.
Genome position (GRCh38, 1-based): chr7:128,837,753, G>A. VCF-style: chr7-128837753-G-A. GRCh37 (hg19) VCF-style: chr7-128477807-G-A.
Other names: c.967G>A, p.Glu323Lys (NM_001127487.2); short protein forms E323K.
Identifiers: ClinVar variation 567331 (VCV000567331.14), dbSNP rs1562992158, ClinGen allele CA369223280.
Genomic context (GRCh38, chr7:128,837,753, plus strand): 5'-GTGGACGCGGGCGTGGGCGAGGTGCTGGTCTACATCGAGGACCCTGAAGGCCACACCGAG[G>A]AGGTATGCAGAGGCCGCTGGGGACAGAGGGATTCACTTGGGATTGGAACCAGAGAGCGTG-3'
Protein context (NP_001449.3, residues 313-333): YIEDPEGHTE[Glu323Lys]AKVVPNNDKD